The following is an entry in ClinVar:

NM_021942.6(TRAPPC11):c.1011G>A (p.Gly337=)

Gene: TRAPPC11 (trafficking protein particle complex subunit 11; plus strand). Cytogenetic location: 4q35.1.
Variant type: single nucleotide variant.
Coding change: c.1011G>A on transcript NM_021942.6 (MANE Select); coding-DNA position 1011, G replaced by A.
Protein change: p.Gly337=; no amino-acid change (glycine 337 retained).
Molecular consequence: synonymous variant.
Genome position (GRCh38, 1-based): chr4:183,680,165, G>A. VCF-style: chr4-183680165-G-A. GRCh37 (hg19) VCF-style: chr4-184601318-G-A.
Other names: c.1011G>A, p.Gly337= (NM_199053.3).
Identifiers: ClinVar variation 2121927 (VCV002121927.1), dbSNP rs754081074, ClinGen allele CA3151768.

ClinVar aggregate classification (germline): Uncertain significance (1 of 4 stars; one submission).

Conditions:
Autosomal recessive limb-girdle muscular dystrophy type R18 (LGMDR18). Also called: Limb-girdle muscular dystrophy, type 2S; MUSCULAR DYSTROPHY, LIMB-GIRDLE, AUTOSOMAL RECESSIVE 18; Autosomal recessive limb-girdle muscular dystrophy type 2S. Identifiers: Orphanet 369840, MedGen C4517996, MONDO:0014144, OMIM 615356.

Allele frequency attached by ClinVar (database versions not stated): ExAC 0.00001.
gnomAD v4.1: 1 of 1,613,864 alleles (0.000062%); highest among the groups gnomAD compares: Admixed American, 0.0017%; no homozygotes.

Submission:

Labcorp Genetics (formerly Invitae), Labcorp
Classification: Uncertain significance for Autosomal recessive limb-girdle muscular dystrophy type R18. Last evaluated: 2022-04-06. Review status: criteria provided, single submitter. Criteria: Invitae Variant Classification Sherloc (09022015). Collection method: clinical testing. Allele origin: germline.
Comment: This sequence change affects codon 337 of the TRAPPC11 mRNA. It is a 'silent' change, meaning that it does not change the encoded amino acid sequence of the TRAPPC11 protein. This variant is present in population databases (rs754081074, gnomAD 0.003%). This variant has not been reported in the literature in individuals affected with TRAPPC11-related conditions. Algorithms developed to predict the effect of sequence changes on RNA splicing suggest that this variant may disrupt the consensus splice site. In summary, the available evidence is currently insufficient to determine the role of this variant in disease. Therefore, it has been classified as a Variant of Uncertain Significance.